The following is an entry in ClinVar:

NM_004104.5(FASN):c.256A>G (p.Thr86Ala)

Gene: FASN (fatty acid synthase; minus strand). Cytogenetic location: 17q25.3.
Variant type: single nucleotide variant.
Coding change: c.256A>G on transcript NM_004104.5 (MANE Select); coding-DNA position 256, A replaced by G.
Protein change: p.Thr86Ala; replaces threonine 86 with alanine.
Molecular consequence: missense variant.
Genome position (GRCh38, 1-based): chr17:82,095,344, T>C on the plus strand (A>G on the coding strand, the complement: FASN is on the minus strand). VCF-style: chr17-82095344-T-C. GRCh37 (hg19) VCF-style: chr17-80053220-T-C.
Other names: c.256A>G (NM_004104.4); short protein forms T86A.
Identifiers: ClinVar variation 1055277 (VCV001055277.10), dbSNP rs375732222, ClinGen allele CA8853621.

ClinVar aggregate classification (germline): Uncertain significance. Review status: criteria provided, multiple submitters, no conflicts (2 of 4 stars). 2 submissions from 2 submitters: Uncertain significance (2). Last evaluated 2025-07-28.

Conditions:
Epileptic encephalopathy. Identifiers: MedGen C0543888, HP:0200134.

Allele frequency attached by ClinVar (database versions not stated): gnomAD exomes 0.00001 and 0.00004; ExAC 0.00005; TOPMed 0.00007; ESP Exome Variant Server 0.00008; gnomAD 0.00009 and 0.00010; 1000 Genomes Project 30x 0.00031; 1000 Genomes Project 0.00040.
gnomAD v4.1: 30 of 1,612,872 alleles (0.0019%); highest among the groups gnomAD compares: African/African-American, 0.024%; no homozygotes.

Submissions (2):

Labcorp Genetics (formerly Invitae), Labcorp
Classification: Uncertain significance for Epileptic encephalopathy. Last evaluated: 2025-07-28. Review status: criteria provided, single submitter. Criteria: Invitae Variant Classification Sherloc (09022015). Collection method: clinical testing. Allele origin: germline.
Comment: This sequence change replaces threonine, which is neutral and polar, with alanine, which is neutral and non-polar, at codon 86 of the FASN protein (p.Thr86Ala). This variant is present in population databases (rs375732222, gnomAD 0.05%). This variant has not been reported in the literature in individuals affected with FASN-related conditions. ClinVar contains an entry for this variant (Variation ID: 1055277). An algorithm developed to predict the effect of missense changes on protein structure and function outputs the following: PolyPhen-2: "Benign". The alanine amino acid residue is found in multiple mammalian species, which suggests that this missense change does not adversely affect protein function. In summary, the available evidence is currently insufficient to determine the role of this variant in disease. Therefore, it has been classified as a Variant of Uncertain Significance.

Ambry Genetics
Classification: Uncertain significance. Last evaluated: 2025-02-07. Review status: criteria provided, single submitter. Criteria: Ambry Variant Classification Scheme 2023. Collection method: clinical testing. Allele origin: germline.